The following is an entry in ClinVar:

NM_001199251.3(SGO1):c.*8G>A

Gene: SGO1 (shugoshin 1; minus strand). Cytogenetic location: 3p24.3.
Variant type: single nucleotide variant.
Coding change: c.*8G>A on transcript NM_001199251.3 (MANE Select); 8 bases downstream of the stop codon, G replaced by A.
Molecular consequence: 3 prime UTR variant. On other transcripts: non-coding transcript variant (2), intron variant (7).
Genome position (GRCh38, 1-based): chr3:20,170,696, C>T on the plus strand (G>A on the coding strand, the complement: SGO1 is on the minus strand). VCF-style: chr3-20170696-C-T. GRCh37 (hg19) VCF-style: chr3-20212188-C-T.
Other names: c.*8G>A (NM_001012409.4, NM_001012411.4, NM_001012413.4 and 3 more transcripts); c.757+28G>A (NM_138484.5, NM_001199256.3); c.808+28G>A (NM_001012412.5, NM_001199254.3); c.1564+28G>A (NM_001012410.5, NM_001199252.3); c.526+4309G>A (NM_001199257.3).
Identifiers: ClinVar variation 3352144 (VCV003352144.2), dbSNP rs114711704.

ClinVar aggregate classification (germline): Benign. Review status: criteria provided, single submitter (1 of 4 stars). 2 submissions from 2 submitters: Benign (1). 1 of the submissions does not count toward it. Last evaluated 2025-04-09.

Conditions:
SGO1-related disorder. Also called: SGO1-related condition.

gnomAD v4.1: 2,893 of 1,566,434 alleles (0.18%); highest among the groups gnomAD compares: African/African-American, 3.1%; 36 homozygotes.

Submissions (2):

Molecular Diagnostic Laboratory for Inherited Cardiovascular Disease, Montreal Heart Institute
Classification: Benign. Last evaluated: 2025-04-09. Review status: criteria provided, single submitter. Criteria: ACMG Guidelines, 2015. Collection method: clinical testing. Allele origin: germline. Affected: no.

PreventionGenetics, part of Exact Sciences
Classification: Benign for SGO1-related condition. Last evaluated: 2024-05-15. Review status: no assertion criteria provided. Collection method: clinical testing. Allele origin: germline. Not counted in ClinVar's aggregate classification.
Comment: This variant is classified as benign based on ACMG/AMP sequence variant interpretation guidelines (Richards et al. 2015 PMID: 25741868, with internal and published modifications).